The following is an entry in ClinVar:

ClinVar aggregate classification (germline): Uncertain significance (1 of 4 stars; one submission).

Allele frequency attached by ClinVar (database versions not stated): TOPMed below 0.00001; ExAC 0.00001.
gnomAD v4.1: 15 of 1,596,114 alleles (0.00094%); highest among the groups gnomAD compares: Non-Finnish European, 0.0012%; no homozygotes.

Submission:

Labcorp Genetics (formerly Invitae), Labcorp
Classification: Uncertain significance. Last evaluated: 2024-10-15. Review status: criteria provided, single submitter. Criteria: Invitae Variant Classification Sherloc (09022015). Collection method: clinical testing. Allele origin: germline.
Comment: This sequence change replaces leucine, which is neutral and non-polar, with valine, which is neutral and non-polar, at codon 1506 of the RTTN protein (p.Leu1506Val). This variant is present in population databases (rs750645165, gnomAD 0.0009%). This variant has not been reported in the literature in individuals affected with RTTN-related conditions. ClinVar contains an entry for this variant (Variation ID: 1957633). Invitae Evidence Modeling of protein sequence and biophysical properties (such as structural, functional, and spatial information, amino acid conservation, physicochemical variation, residue mobility, and thermodynamic stability) indicates that this missense variant is not expected to disrupt RTTN protein function with a negative predictive value of 80%. In summary, the available evidence is currently insufficient to determine the role of this variant in disease. Therefore, it has been classified as a Variant of Uncertain Significance.

NM_173630.4(RTTN):c.4516T>G (p.Leu1506Val)

Gene: RTTN (rotatin; minus strand). Cytogenetic location: 18q22.2.
Variant type: single nucleotide variant.
Coding change: c.4516T>G on transcript NM_173630.4 (MANE Select); coding-DNA position 4516, T replaced by G.
Protein change: p.Leu1506Val; replaces leucine 1506 with valine.
Molecular consequence: missense variant.
Genome position (GRCh38, 1-based): chr18:70,075,400, A>C on the plus strand (T>G on the coding strand, the complement: RTTN is on the minus strand). VCF-style: chr18-70075400-A-C. GRCh37 (hg19) VCF-style: chr18-67742636-A-C.
Other names: c.1780T>G, p.Leu594Val (NM_001318520.2); short protein forms L594V, L1506V.
Identifiers: ClinVar variation 1957633 (VCV001957633.4), dbSNP rs750645165, ClinGen allele CA8995233.